The following is an entry in ClinVar:

NM_001913.5(CUX1):c.1968-3del

Gene: CUX1 (cut like homeobox 1; plus strand). Cytogenetic location: 7q22.1.
Variant type: Deletion.
Coding change: c.1968-3del on transcript NM_001913.5 (MANE Plus Clinical); 3 bases into the intron before coding-DNA position 1968, one base deleted (C; older notation c.1968-3delC).
Molecular consequence: intron variant.
Genome position (GRCh38, 1-based): chr7:102,283,018, C deleted; the last of 5 consecutive C bases (chr7:102,283,014-102,283,018); deleting any one gives the same sequence. VCF-style (leftmost placement, unchanged base first): chr7-102283013-TC-T. GRCh37 (hg19) VCF-style: chr7-101926305-TC-T.
Other names: NC_000007.13:g.101926310del; c.1962-3del (NM_181500.4); c.1830-3del (NM_001202545.3); c.1920-3del (NM_001202544.3); c.1851-3del (NM_001202546.3).
Identifiers: ClinVar variation 2244199 (VCV002244199.3), dbSNP rs782670150, ClinGen allele CA4411915.

ClinVar aggregate classification (germline): Uncertain significance (1 of 4 stars; one submission).

Conditions:
Inborn genetic diseases. Identifiers: MedGen C0950123, MeSH D030342.

Submissions (3):

Ambry Genetics
Classification: Uncertain significance for Inborn genetic diseases. Last evaluated: 2021-09-22. Review status: criteria provided, single submitter. Criteria: Ambry Variant Classification Scheme 2023. Collection method: clinical testing. Allele origin: germline.
Comment: The c.1968-3delC alteration is located in Intron 22 (E) of the CUX1 gene. This alteration consists of a deletion of 1 nucleotides at nucleotide position c.1968-3 Intron 22 (E). Based on insufficient or conflicting evidence, the clinical significance of this alteration remains unclear.

Dr. Peter K. Rogan Lab, Western University
No classification provided (evidence only). Condition: Hepatocellular carcinoma. Review status: no classification provided. Collection method: in vitro. Allele origin: not applicable. Functional consequence: retained intron. Not counted in ClinVar's aggregate classification.

Dr. Peter K. Rogan Lab, Western University
No classification provided (evidence only). Condition: Hepatocellular carcinoma. Review status: no classification provided. Collection method: in vitro. Allele origin: not applicable. Functional consequence: retained intron. Not counted in ClinVar's aggregate classification.